The following is an entry in ClinVar:

ClinVar aggregate classification (germline): Conflicting classifications of pathogenicity. Review status: criteria provided, conflicting classifications (1 of 4 stars). 3 submissions from 3 submitters: Uncertain significance (2); Likely benign (1). Last evaluated 2025-10-15.

Conditions:
Hereditary cancer-predisposing syndrome. Also called: Neoplastic Syndromes, Hereditary; Hereditary neoplastic syndrome; Tumor predisposition; Hereditary Cancer Syndrome. Identifiers: Orphanet 140162, MedGen C0027672, MeSH D009386, MONDO:0015356.
Hereditary breast ovarian cancer syndrome. Also called: Hereditary breast and/or ovarian cancer syndrome; BRCA1- and BRCA2-Associated Hereditary Breast and Ovarian Cancer; Hereditary breast and ovarian cancer syndrome; Breast and ovarian cancer; Hereditary breast and ovarian cancer; Hereditary breast and ovarian cancer syndrome (HBOC). Identifiers: Orphanet 145, MedGen C0677776, MeSH D061325, MONDO:0003582. Disease mechanism: loss of function.

Allele frequency attached by ClinVar (database versions not stated): gnomAD exomes below 0.00001; TOPMed below 0.00001; gnomAD 0.00001.
gnomAD v4.1: 6 of 1,613,858 alleles (0.00037%); highest among the groups gnomAD compares: African/African-American, 0.0013%; no homozygotes.

Submissions (3):

Labcorp Genetics (formerly Invitae), Labcorp
Classification: Uncertain significance for Hereditary breast ovarian cancer syndrome. Last evaluated: 2025-10-15. Review status: criteria provided, single submitter. Criteria: Invitae Variant Classification Sherloc (09022015). Collection method: clinical testing. Allele origin: germline.
Comment: This sequence change replaces serine, which is neutral and polar, with proline, which is neutral and non-polar, at codon 2806 of the BRCA2 protein (p.Ser2806Pro). This variant is not present in population databases (gnomAD no frequency). This missense change has been observed in individual(s) with breast and prostate cancer (PMID: 21952622, 36315513). ClinVar contains an entry for this variant (Variation ID: 807003). Invitae Evidence Modeling of protein sequence and biophysical properties (such as structural, functional, and spatial information, amino acid conservation, physicochemical variation, residue mobility, and thermodynamic stability) indicates that this missense variant is not expected to disrupt BRCA2 protein function with a negative predictive value of 95%. In summary, the available evidence is currently insufficient to determine the role of this variant in disease. Therefore, it has been classified as a Variant of Uncertain Significance.

Ambry Genetics
Classification: Likely benign for Hereditary cancer-predisposing syndrome. Last evaluated: 2025-05-08. Review status: criteria provided, single submitter. Criteria: Ambry Variant Classification Scheme 2023. Collection method: clinical testing. Allele origin: germline.

CeGaT Center for Human Genetics Tuebingen
Classification: Uncertain significance. Last evaluated: 2018-12-01. Review status: criteria provided, single submitter. Criteria: CeGaT Center For Human Genetics Tuebingen Variant Classification Criteria Version 2. Collection method: clinical testing. Allele origin: germline. Affected: yes. Observed: 1 variant allele.

Literature cited by the submitters: PubMed 21952622 (cited by Labcorp Genetics (formerly Invitae), Labcorp and Ambry Genetics); PubMed 36315513 (cited by Labcorp Genetics (formerly Invitae), Labcorp).

NM_000059.4(BRCA2):c.8416T>C (p.Ser2806Pro)

Gene: BRCA2 (BRCA2 DNA repair associated; plus strand). Cytogenetic location: 13q13.1.
Variant type: single nucleotide variant.
Coding change: c.8416T>C on transcript NM_000059.4 (MANE Select); coding-DNA position 8416, T replaced by C.
Protein change: p.Ser2806Pro; replaces serine 2806 with proline.
Molecular consequence: missense variant.
Genome position (GRCh38, 1-based): chr13:32,370,486, T>C. VCF-style: chr13-32370486-T-C. GRCh37 (hg19) VCF-style: chr13-32944623-T-C.
Other names: short protein forms S2806P.
Identifiers: ClinVar variation 807003 (VCV000807003.51), dbSNP rs1280487930, ClinGen allele CA387752518.
Genomic context (GRCh38, chr13:32,370,486, plus strand): 5'-GCTCGCTGGTATACCAAACTTGGATTCTTTCCTGACCCTAGACCTTTTCCTCTGCCCTTA[T>C]CATCGCTTTTCAGTGATGGAGGAAATGTTGGTTGTGTTGATGTAATTATTCAAAGAGCAT-3'
Protein context (NP_000050.3, residues 2796-2816): PDPRPFPLPL[Ser2806Pro]SLFSDGGNVG